The following is an entry in ClinVar:

ClinVar aggregate classification (germline): Uncertain significance. Review status: criteria provided, multiple submitters, no conflicts (2 of 4 stars). 2 submissions from 2 submitters: Uncertain significance (2). Last evaluated 2021-08-26.

Allele frequency attached by ClinVar (database versions not stated): ExAC 0.00004.
gnomAD v4.1: 31 of 1,612,944 alleles (0.0019%); highest among the groups gnomAD compares: East Asian, 0.018%; no homozygotes.

Submissions (2):

Labcorp Genetics (formerly Invitae), Labcorp
Classification: Uncertain significance. Last evaluated: 2021-08-26. Review status: criteria provided, single submitter. Criteria: Invitae Variant Classification Sherloc (09022015). Collection method: clinical testing. Allele origin: germline.
Comment: This sequence change replaces arginine with glutamine at codon 376 of the ATF6 protein (p.Arg376Gln). The arginine residue is highly conserved and there is a small physicochemical difference between arginine and glutamine. This variant is present in population databases (rs754973294, ExAC 0.02%). This variant has not been reported in the literature in individuals affected with ATF6-related conditions. Algorithms developed to predict the effect of missense changes on protein structure and function are either unavailable or do not agree on the potential impact of this missense change (SIFT: "Tolerated"; PolyPhen-2: "Probably Damaging"; Align-GVGD: "Class C0"). In summary, the available evidence is currently insufficient to determine the role of this variant in disease. Therefore, it has been classified as a Variant of Uncertain Significance.

Blueprint Genetics
Classification: Uncertain significance. Last evaluated: 2019-10-01. Review status: criteria provided, single submitter. Criteria: ACMG Guidelines, 2015. Collection method: clinical testing. Allele origin: germline.

NM_007348.4(ATF6):c.1127G>A (p.Arg376Gln)

Gene: ATF6 (activating transcription factor 6; plus strand). Cytogenetic location: 1q23.3.
Variant type: single nucleotide variant.
Coding change: c.1127G>A on transcript NM_007348.4 (MANE Select); coding-DNA position 1127, G replaced by A.
Protein change: p.Arg376Gln; replaces arginine 376 with glutamine.
Molecular consequence: missense variant.
Genome position (GRCh38, 1-based): chr1:161,821,101, G>A. VCF-style: chr1-161821101-G-A. GRCh37 (hg19) VCF-style: chr1-161790891-G-A.
Other names: short protein forms R376Q.
Identifiers: ClinVar variation 1491464 (VCV001491464.6), dbSNP rs754973294, ClinGen allele CA1214382.